The following is an entry in ClinVar:

NM_001008537.3(NEXMIF):c.1522A>G (p.Lys508Glu)

Gene: NEXMIF (neurite extension and migration factor; minus strand). Cytogenetic location: Xq13.3.
Variant type: single nucleotide variant.
Coding change: c.1522A>G on transcript NM_001008537.3 (MANE Select); coding-DNA position 1522, A replaced by G.
Protein change: p.Lys508Glu; replaces lysine 508 with glutamic acid.
Molecular consequence: missense variant.
Genome position (GRCh38, 1-based): chrX:74,743,035, T>C on the plus strand (A>G on the coding strand, the complement: NEXMIF is on the minus strand). VCF-style: chrX-74743035-T-C. GRCh37 (hg19) VCF-style: chrX-73962870-T-C.
Other names: short protein forms K508E.
Identifiers: ClinVar variation 2832557 (VCV002832557.3), dbSNP rs2519915298, ClinGen allele CA413670314.

ClinVar aggregate classification (germline): Uncertain significance (1 of 4 stars; one submission).

Submission:

Labcorp Genetics (formerly Invitae), Labcorp
Classification: Uncertain significance. Last evaluated: 2023-04-15. Review status: criteria provided, single submitter. Criteria: Invitae Variant Classification Sherloc (09022015). Collection method: clinical testing. Allele origin: germline.
Comment: In summary, the available evidence is currently insufficient to determine the role of this variant in disease. Therefore, it has been classified as a Variant of Uncertain Significance. An algorithm developed to predict the effect of missense changes on protein structure and function (PolyPhen-2) suggests that this variant is likely to be disruptive. This variant has not been reported in the literature in individuals affected with NEXMIF-related conditions. This variant is not present in population databases (gnomAD no frequency). This sequence change replaces lysine, which is basic and polar, with glutamic acid, which is acidic and polar, at codon 508 of the NEXMIF protein (p.Lys508Glu).